The following is an entry in ClinVar:

ClinVar aggregate classification (germline): Uncertain significance (1 of 4 stars; one submission).

Submission:

Labcorp Genetics (formerly Invitae), Labcorp
Classification: Uncertain significance. Last evaluated: 2025-12-16. Review status: criteria provided, single submitter. Criteria: Invitae Variant Classification Sherloc (09022015). Collection method: clinical testing. Allele origin: germline.
Comment: This sequence change replaces arginine, which is basic and polar, with threonine, which is neutral and polar, at codon 54 of the VARS2 protein (p.Arg54Thr). This variant is not present in population databases (gnomAD no frequency). This variant has not been reported in the literature in individuals affected with VARS2-related conditions. An algorithm developed to predict the effect of missense changes on protein structure and function (PolyPhen-2) suggests that this variant is likely to be tolerated. Algorithms developed to predict the effect of sequence changes on RNA splicing suggest that this variant may create or strengthen a splice site. In summary, the available evidence is currently insufficient to determine the role of this variant in disease. Therefore, it has been classified as a Variant of Uncertain Significance.

NM_020442.6(VARS2):c.71G>C (p.Arg24Thr)

Gene: VARS2 (valyl-tRNA synthetase 2, mitochondrial; plus strand). Cytogenetic location: 6p21.33.
Variant type: single nucleotide variant.
Coding change: c.71G>C on transcript NM_020442.6 (MANE Select); coding-DNA position 71, G replaced by C.
Protein change: p.Arg24Thr; replaces arginine 24 with threonine.
Molecular consequence: missense variant. On other transcripts: intron variant (1).
Genome position (GRCh38, 1-based): chr6:30,914,907, G>C. VCF-style: chr6-30914907-G-C. GRCh37 (hg19) VCF-style: chr6-30882684-G-C.
Other names: c.161G>C, p.Arg54Thr (NM_001167734.2); c.-219-249G>C (NM_001167733.3); short protein forms R24T, R54T.
Identifiers: ClinVar variation 4697467 (VCV004697467.1).